The following is an entry in ClinVar:

ClinVar aggregate classification (germline): Uncertain significance. Review status: criteria provided, single submitter (1 of 4 stars). 2 submissions from 2 submitters: Uncertain significance (1). 1 of the submissions does not count toward it. Last evaluated 2017-01-25.

Conditions:
WDR62-related disorder. Also called: WDR62-related condition.

Allele frequency attached by ClinVar (database versions not stated): gnomAD exomes below 0.00001; TOPMed 0.00002; ExAC 0.00001.
gnomAD v4.1: 5 of 1,613,836 alleles (0.00031%); highest among the groups gnomAD compares: African/African-American, 0.0067%; no homozygotes.

Submissions (2):

Eurofins Ntd Llc (ga)
Classification: Uncertain significance. Last evaluated: 2017-01-25. Review status: criteria provided, single submitter. Criteria: EGL Classification Definitions 2015. Collection method: clinical testing. Allele origin: germline. Observed: 1 variant allele, 1 heterozygote.

PreventionGenetics, part of Exact Sciences
Classification: Likely benign for WDR62-related condition. Last evaluated: 2023-09-11. Review status: no assertion criteria provided. Collection method: clinical testing. Allele origin: germline. Not counted in ClinVar's aggregate classification.
Comment: This variant is classified as likely benign based on ACMG/AMP sequence variant interpretation guidelines (Richards et al. 2015 PMID: 25741868, with internal and published modifications).

NM_001083961.2(WDR62):c.1959-10A>C

Gene: WDR62 (WD repeat domain 62; plus strand). Cytogenetic location: 19q13.12.
Variant type: single nucleotide variant.
Coding change: c.1959-10A>C on transcript NM_001083961.2 (MANE Select); 10 bases into the intron before coding-DNA position 1959, A replaced by C.
Molecular consequence: intron variant.
Genome position (GRCh38, 1-based): chr19:36,090,435, A>C. VCF-style: chr19-36090435-A-C. GRCh37 (hg19) VCF-style: chr19-36581337-A-C.
Other names: c.1959-10A>C (NM_173636.5, NM_001083961.1).
Identifiers: ClinVar variation 499735 (VCV000499735.7), dbSNP rs767989054, ClinGen allele CA9395800.